The following is an entry in ClinVar:

ClinVar aggregate classification (germline): Uncertain significance (1 of 4 stars; one submission).

Allele frequency attached by ClinVar (database versions not stated): TOPMed below 0.00001.
gnomAD v4.1: 3 of 1,614,002 alleles (0.00019%); highest among the groups gnomAD compares: Non-Finnish European, 0.00025%; no homozygotes.

Submission:

Labcorp Genetics (formerly Invitae), Labcorp
Classification: Uncertain significance. Last evaluated: 2023-08-03. Review status: criteria provided, single submitter. Criteria: Invitae Variant Classification Sherloc (09022015). Collection method: clinical testing. Allele origin: germline.
Comment: In summary, the available evidence is currently insufficient to determine the role of this variant in disease. Therefore, it has been classified as a Variant of Uncertain Significance. Advanced modeling of protein sequence and biophysical properties (such as structural, functional, and spatial information, amino acid conservation, physicochemical variation, residue mobility, and thermodynamic stability) performed at Invitae indicates that this missense variant is not expected to disrupt WNT5A protein function. ClinVar contains an entry for this variant (Variation ID: 1474222). This variant has not been reported in the literature in individuals affected with WNT5A-related conditions. This variant is not present in population databases (gnomAD no frequency). This sequence change replaces arginine, which is basic and polar, with glycine, which is neutral and non-polar, at codon 290 of the WNT5A protein (p.Arg290Gly).

NM_003392.7(WNT5A):c.868C>G (p.Arg290Gly)

Gene: WNT5A (Wnt family member 5A; minus strand). Cytogenetic location: 3p14.3.
Variant type: single nucleotide variant.
Coding change: c.868C>G on transcript NM_003392.7 (MANE Select); coding-DNA position 868, C replaced by G.
Protein change: p.Arg290Gly; replaces arginine 290 with glycine.
Molecular consequence: missense variant.
Genome position (GRCh38, 1-based): chr3:55,470,367, G>C on the plus strand (C>G on the coding strand, the complement: WNT5A is on the minus strand). VCF-style: chr3-55470367-G-C. GRCh37 (hg19) VCF-style: chr3-55504395-G-C.
Other names: c.823C>G, p.Arg275Gly (NM_001256105.1, NM_001377271.1, NM_001377272.1); short protein forms R275G, R290G.
Identifiers: ClinVar variation 1474222 (VCV001474222.8), dbSNP rs2051225348, ClinGen allele CA353272257.